The following is an entry in ClinVar:

NM_001128840.3(CACNA1D):c.3601G>A (p.Val1201Met)

Gene: CACNA1D (calcium voltage-gated channel subunit alpha1 D; plus strand). Cytogenetic location: 3p21.1.
Variant type: single nucleotide variant.
Coding change: c.3601G>A on transcript NM_001128840.3 (MANE Select); coding-DNA position 3601, G replaced by A.
Protein change: p.Val1201Met; replaces valine 1201 with methionine.
Molecular consequence: missense variant.
Genome position (GRCh38, 1-based): chr3:53,751,833, G>A. VCF-style: chr3-53751833-G-A. GRCh37 (hg19) VCF-style: chr3-53785860-G-A.
Other names: c.3661G>A, p.Val1221Met (NM_000720.4); c.3601G>A, p.Val1201Met (NM_001128839.3); c.3661G>A (NM_000720.2); short protein forms V1221M, V1201M.
Identifiers: ClinVar variation 1431341 (VCV001431341.8), dbSNP rs187042250, ClinGen allele CA2454621.

ClinVar aggregate classification (germline): Uncertain significance. Review status: criteria provided, multiple submitters, no conflicts (2 of 4 stars). 3 submissions from 3 submitters: Uncertain significance (3). Last evaluated 2025-10-22.

Conditions:
Inborn genetic diseases. Identifiers: MedGen C0950123, MeSH D030342.

Allele frequency attached by ClinVar (database versions not stated): gnomAD exomes 0.00002; ExAC 0.00003; TOPMed 0.00005; ESP Exome Variant Server 0.00008; gnomAD 0.00009; 1000 Genomes Project 0.00040; 1000 Genomes Project 30x 0.00062.
gnomAD v4.1: 41 of 1,614,060 alleles (0.0025%); highest among the groups gnomAD compares: African/African-American, 0.02%; no homozygotes.

Submissions (3):

Ambry Genetics
Classification: Uncertain significance for Inborn genetic diseases. Last evaluated: 2025-10-22. Review status: criteria provided, single submitter. Criteria: Ambry Variant Classification Scheme 2023. Collection method: clinical testing. Allele origin: germline.

Labcorp Genetics (formerly Invitae), Labcorp
Classification: Uncertain significance. Last evaluated: 2025-10-19. Review status: criteria provided, single submitter. Criteria: Invitae Variant Classification Sherloc (09022015). Collection method: clinical testing. Allele origin: germline.
Comment: This sequence change replaces valine, which is neutral and non-polar, with methionine, which is neutral and non-polar, at codon 1221 of the CACNA1D protein (p.Val1221Met). This variant is present in population databases (rs187042250, gnomAD 0.02%). This variant has not been reported in the literature in individuals affected with CACNA1D-related conditions. ClinVar contains an entry for this variant (Variation ID: 1431341). Invitae Evidence Modeling of protein sequence and biophysical properties (such as structural, functional, and spatial information, amino acid conservation, physicochemical variation, residue mobility, and thermodynamic stability) indicates that this missense variant is not expected to disrupt CACNA1D protein function with a negative predictive value of 80%. In summary, the available evidence is currently insufficient to determine the role of this variant in disease. Therefore, it has been classified as a Variant of Uncertain Significance.

GeneDx
Classification: Uncertain significance. Last evaluated: 2024-05-17. Review status: criteria provided, single submitter. Criteria: GeneDx Variant Classification Process June 2021. Collection method: clinical testing. Allele origin: germline. Affected: yes.
Comment: In silico analysis indicates that this missense variant does not alter protein structure/function; Has not been previously published as pathogenic or benign to our knowledge